The following is an entry in ClinVar:

ClinVar aggregate classification (germline): Uncertain significance (1 of 4 stars; one submission).

gnomAD v4.1: 1 of 1,610,368 alleles (0.000062%); highest among the groups gnomAD compares: Non-Finnish European, 0.000085%; no homozygotes.

Submission:

Labcorp Genetics (formerly Invitae), Labcorp
Classification: Uncertain significance. Last evaluated: 2023-01-15. Review status: criteria provided, single submitter. Criteria: Invitae Variant Classification Sherloc (09022015). Collection method: clinical testing. Allele origin: germline.
Comment: This sequence change replaces leucine, which is neutral and non-polar, with phenylalanine, which is neutral and non-polar, at codon 1612 of the SI protein (p.Leu1612Phe). In summary, the available evidence is currently insufficient to determine the role of this variant in disease. Therefore, it has been classified as a Variant of Uncertain Significance. Advanced modeling of protein sequence and biophysical properties (such as structural, functional, and spatial information, amino acid conservation, physicochemical variation, residue mobility, and thermodynamic stability) has been performed at Invitae for this missense variant, however the output from this modeling did not meet the statistical confidence thresholds required to predict the impact of this variant on SI protein function. This variant has not been reported in the literature in individuals affected with SI-related conditions. This variant is not present in population databases (gnomAD no frequency).

NM_001041.4(SI):c.4836G>T (p.Leu1612Phe)

Gene: SI (sucrase-isomaltase; minus strand). Cytogenetic location: 3q26.1.
Variant type: single nucleotide variant.
Coding change: c.4836G>T on transcript NM_001041.4 (MANE Select); coding-DNA position 4836, G replaced by T.
Protein change: p.Leu1612Phe; replaces leucine 1612 with phenylalanine.
Molecular consequence: missense variant.
Genome position (GRCh38, 1-based): chr3:164,994,262, C>A on the plus strand (G>T on the coding strand, the complement: SI is on the minus strand). VCF-style: chr3-164994262-C-A. GRCh37 (hg19) VCF-style: chr3-164712050-C-A.
Other names: short protein forms L1612F.
Identifiers: ClinVar variation 2056509 (VCV002056509.2), dbSNP rs770794869, ClinGen allele CA355028841.